The following is an entry in ClinVar:

ClinVar aggregate classification (germline): Conflicting classifications of pathogenicity. Review status: criteria provided, conflicting classifications (1 of 4 stars). 3 submissions from 3 submitters: Likely pathogenic (1); Uncertain significance (1). 1 of the submissions does not count toward it. Last evaluated 2026-01-28.

Conditions:
Glycine encephalopathy 1 (GCE1). Identifiers: MedGen CN376801, MONDO:0958179, OMIM 605899.
Glycine encephalopathy. Also called: Non-ketotic hyperglycinemia; Nonketotic hyperglycinemia. Identifiers: Orphanet 407, MedGen C0751748, MONDO:0011612, HP:0008288.

gnomAD v4.1: 3 of 1,614,042 alleles (0.00019%); highest among the groups gnomAD compares: Non-Finnish European, 0.00025%; no homozygotes.

Submissions (3):

Women's Health and Genetics/Laboratory Corporation of America, LabCorp
Classification: Uncertain significance. Last evaluated: 2026-01-28. Review status: criteria provided, single submitter. Criteria: LabCorp Variant Classification Summary - May 2015. Collection method: clinical testing. Allele origin: germline.
Comment: Variant summary: GLDC c.886C>T (p.Leu296Phe) results in a non-conservative amino acid change in the encoded protein sequence. Algorithms developed to predict the effect of missense changes on protein structure and function all suggest that this variant is likely to be disruptive. The variant was absent in 251298 control chromosomes (gnomAD). The available data on variant occurrences in the general population are insufficient to allow any conclusion about variant significance. c.886C>T has been observed in one individual affected with Glycine Encephalopathy (Non-Ketotic Hyperglycinemia) (Coughlin_2017). These data do not allow any conclusion about variant significance. To our knowledge, no experimental evidence demonstrating an impact on protein function has been reported. The following publication have been ascertained in the context of this evaluation (PMID: 27362913). ClinVar contains an entry for this variant (Variation ID: 554300). Based on the evidence outlined above, the variant was classified as uncertain significance.

Natera, Inc.
Classification: Likely pathogenic for Non-ketotic hyperglycinemia. Last evaluated: 2025-06-16. Review status: criteria provided, single submitter. Criteria: Natera Variant Classification Schema (03/2026). Collection method: clinical testing. Allele origin: germline.
Comment: The c.886C>T variant in GLDC is a missense variant predicted to cause substitution of leucine to phenylalanine at amino acid 296. This variant is rare in the general population with a frequency below the threshold expected for the associated phenotype(s). This variant has been observed in one or more individuals affected with the associated recessive disease, as either homozygous or compound heterozygous with a second variant (PMID: 27362913). Computational prediction algorithms indicate this variant is likely to affect gene or protein function. Given the available evidence, this variant is classified as Likely Pathogenic.

Counsyl
Classification: Uncertain significance for Glycine encephalopathy 1. Last evaluated: 2017-10-24. Review status: no assertion criteria provided. Collection method: clinical testing. Allele origin: unknown. Not counted in ClinVar's aggregate classification.

Literature cited by the submitters: PubMed 27362913 (cited by 3 submitters).

NM_000170.3(GLDC):c.886C>T (p.Leu296Phe)

Gene: GLDC (glycine decarboxylase; minus strand). Cytogenetic location: 9p24.1.
Variant type: single nucleotide variant.
Coding change: c.886C>T on transcript NM_000170.3 (MANE Select); coding-DNA position 886, C replaced by T.
Protein change: p.Leu296Phe; replaces leucine 296 with phenylalanine.
Molecular consequence: missense variant.
Genome position (GRCh38, 1-based): chr9:6,604,760, G>A on the plus strand (C>T on the coding strand, the complement: GLDC is on the minus strand). VCF-style: chr9-6604760-G-A. GRCh37 (hg19) VCF-style: chr9-6604760-G-A.
Other names: short protein forms L296F.
Identifiers: ClinVar variation 554300 (VCV000554300.4), dbSNP rs200413149, ClinGen allele CA372895998.